The following is an entry in ClinVar:

ClinVar aggregate classification (germline): Uncertain significance. Review status: criteria provided, multiple submitters, no conflicts (2 of 4 stars). 2 submissions from 2 submitters: Uncertain significance (2). Last evaluated 2025-09-07.

Conditions:
Seizures, benign familial infantile, 3 (BFIS3). Also called: CONVULSIONS, BENIGN FAMILIAL INFANTILE, 3; Familial neonatal seizures. Identifiers: Orphanet 140927, Orphanet 306, MedGen C1843140, MONDO:0011904, OMIM 607745.
Developmental and epileptic encephalopathy, 11 (DEE11). Also called: Early infantile epileptic encephalopathy 11. Identifiers: Orphanet 1934, MedGen C3150987, MONDO:0013388, OMIM 613721.

Allele frequency attached by ClinVar (database versions not stated): gnomAD 0.00001; TOPMed 0.00001.
gnomAD v4.1: 1 of 1,614,024 alleles (0.000062%); no homozygotes.

Submissions (2):

Labcorp Genetics (formerly Invitae), Labcorp
Classification: Uncertain significance for Seizures, benign familial infantile, 3; Developmental and epileptic encephalopathy, 11. Last evaluated: 2025-09-07. Review status: criteria provided, single submitter. Criteria: Invitae Variant Classification Sherloc (09022015). Collection method: clinical testing. Allele origin: germline.
Comment: This sequence change replaces asparagine, which is neutral and polar, with aspartic acid, which is acidic and polar, at codon 1196 of the SCN2A protein (p.Asn1196Asp). This variant is not present in population databases (gnomAD no frequency). This variant has not been reported in the literature in individuals affected with SCN2A-related conditions. ClinVar contains an entry for this variant (Variation ID: 207083). Invitae Evidence Modeling of protein sequence and biophysical properties (such as structural, functional, and spatial information, amino acid conservation, physicochemical variation, residue mobility, and thermodynamic stability) has been performed for this missense variant. However, the output from this modeling did not meet the statistical confidence thresholds required to predict the impact of this variant on SCN2A protein function. In summary, the available evidence is currently insufficient to determine the role of this variant in disease. Therefore, it has been classified as a Variant of Uncertain Significance.

GeneDx
Classification: Uncertain significance. Last evaluated: 2024-02-13. Review status: criteria provided, single submitter. Criteria: GeneDx Variant Classification Process June 2021. Collection method: clinical testing. Allele origin: germline. Affected: yes.
Comment: Not observed at significant frequency in large population cohorts (gnomAD); In silico analysis supports that this missense variant has a deleterious effect on protein structure/function; This substitution is predicted to be in the cytoplasmic loop between the second and third homologous domains; Has not been previously published as pathogenic or benign to our knowledge

NM_001040142.2(SCN2A):c.3586A>G (p.Asn1196Asp)

Gene: SCN2A (sodium voltage-gated channel alpha subunit 2; plus strand). Cytogenetic location: 2q24.3.
Variant type: single nucleotide variant.
Coding change: c.3586A>G on transcript NM_001040142.2 (MANE Select); coding-DNA position 3586, A replaced by G.
Protein change: p.Asn1196Asp; replaces asparagine 1196 with aspartic acid.
Molecular consequence: missense variant.
Genome position (GRCh38, 1-based): chr2:165,367,282, A>G. VCF-style: chr2-165367282-A-G. GRCh37 (hg19) VCF-style: chr2-166223792-A-G.
Other names: p.N1196D:AAT>GAT; c.3586A>G, p.Asn1196Asp (NM_001040143.2, NM_001371246.1, NM_001371247.1 and 1 more transcripts); short protein forms N1196D.
Identifiers: ClinVar variation 207083 (VCV000207083.8), dbSNP rs796053199, ClinGen allele CA318193.